The following is an entry in ClinVar:

ClinVar aggregate classification (germline): Uncertain significance (1 of 4 stars; one submission).

Conditions:
Malignant hyperthermia, susceptibility to, 1 (MHS1). Also called: Anesthesia related hyperthermia; Malignant hyperpyrexia; Fulminating hyperpyrexia; Pharmacogenic myopathy; RYR1-Related Malignant Hyperthermia Susceptibility; Malignant hyperthermia suceptibility 1. Identifiers: Orphanet 423, MedGen C2930980, MONDO:0007783, OMIM 145600.

Submission:

All of Us Research Program, National Institutes of Health
Classification: Uncertain significance for Malignant hyperthermia, susceptibility to, 1. Last evaluated: 2023-12-13. Review status: criteria provided, single submitter. Criteria: ACMG Guidelines, 2015. Collection method: clinical testing. Allele origin: germline. Inheritance: Autosomal dominant inheritance. Observed: 1 variant allele, 1 heterozygote.
Comment: This variant causes a G to T nucleotide substitution at the +1 position of intron 13 of the RYR1 gene. Splice site prediction tools predict that this variant may have a significant impact on RNA splicing. To our knowledge, functional studies have not been reported for this variant. This variant has not been reported in individuals affected with RYR1-related disorders in the literature. This variant has not been identified in the general population by the Genome Aggregation Database (gnomAD). Loss of RYR1 function due to truncation variants is not an established disease mechanism for autosomal dominant malignant hyperthermia, although it is associated with other phenotype(s). Due to insufficient evidence, this variant is classified as a Variant of Uncertain Significance for autosomal dominant malignant hyperthermia.

This study involves interpretation of variants in research participants for the purpose of population health screening. Participant phenotype was not available at the time of variant classification. Additional details can be found in publication PMID: 35346344, PMCID: PMC8962531

NM_000540.3(RYR1):c.1440+1G>T

Gene: RYR1 (ryanodine receptor 1; plus strand). Cytogenetic location: 19q13.2.
Variant type: single nucleotide variant.
Coding change: c.1440+1G>T on transcript NM_000540.3 (MANE Select); the canonical splice donor site of the intron after coding-DNA position 1440, G replaced by T.
Molecular consequence: splice donor variant.
Genome position (GRCh38, 1-based): chr19:38,453,015, G>T. VCF-style: chr19-38453015-G-T. GRCh37 (hg19) VCF-style: chr19-38943655-G-T.
Other names: c.1440+1G>T (NM_001042723.2).
Identifiers: ClinVar variation 3074746 (VCV003074746.1), dbSNP rs1568445415, ClinGen allele CA405686942.